The following is an entry in ClinVar:

NM_003060.4(SLC22A5):c.287G>C (p.Gly96Ala)

Gene: SLC22A5 (solute carrier family 22 member 5; plus strand). Cytogenetic location: 5q31.1.
Variant type: single nucleotide variant.
Coding change: c.287G>C on transcript NM_003060.4 (MANE Select); coding-DNA position 287, G replaced by C.
Protein change: p.Gly96Ala; replaces glycine 96 with alanine.
Molecular consequence: missense variant.
Genome position (GRCh38, 1-based): chr5:132,370,259, G>C. VCF-style: chr5-132370259-G-C. GRCh37 (hg19) VCF-style: chr5-131705951-G-C.
Other names: c.287G>C, p.Gly96Ala (NM_001308122.2).
Identifiers: ClinVar variation 25364 (VCV000025364.68), dbSNP rs377767450, ClinGen allele CA312936.
Genomic context (GRCh38, chr5:132,370,259, plus strand): 5'-AGGTGCCCCACAGCTGCCGCCGCTACCGGCTCGCCACCATCGCCAACTTCTCGGCGCTTG[G>C]GCTGGAGCCGGGGCGCGACGTGGACCTGGGGCAGCTGGAGCAGGAGAGCTGTCTGGATGG-3'
Protein context (NP_003051.1, residues 86-106): LATIANFSAL[Gly96Ala]LEPGRDVDLG

ClinVar aggregate classification (germline): Conflicting classifications of pathogenicity. Review status: criteria provided, conflicting classifications (1 of 4 stars). 10 submissions from 10 submitters: Uncertain significance (9); Likely benign (1). Last evaluated 2026-09-01.

Conditions:
SLC22A5-related disorder. Also called: SLC22A5-related condition.
Renal carnitine transport defect (CDSP). Also called: Carnitine transporter deficiency; Carnitine Deficiency, Systemic; Primary carnitine deficiency; Systemic primary carnitine deficiency; CARNITINE DEFICIENCY, SYSTEMIC, DUE TO DEFECT IN RENAL REABSORPTION OF CARNITINE; CARNITINE TRANSPORTER, PLASMA-MEMBRANE, DEFICIENCY OF. Identifiers: Orphanet 158, MedGen C0342788, MONDO:0008919, OMIM 212140.

Allele frequency attached by ClinVar (database versions not stated): gnomAD exomes 0.00018 and 0.00041; TOPMed 0.00025; gnomAD 0.00027 and 0.00029; ExAC 0.00039.
gnomAD v4.1: 307 of 1,587,786 alleles (0.019%); highest among the groups gnomAD compares: Non-Finnish European, 0.0094%; no homozygotes.

Submissions (10):

PreventionGenetics, part of Exact Sciences
Classification: Uncertain significance for SLC22A5-related condition. Last evaluated: 2026-09-01. Review status: criteria provided, single submitter. Criteria: ACMG Guidelines, 2015. Collection method: clinical testing. Allele origin: germline.
Comment: The SLC22A5 c.287G>C variant is predicted to result in the amino acid substitution p.Gly96Ala. This variant has been reported in the heterozygous state in an infant with abnormal newborn screening results and suspected systemic primary carnitine deficiency (CDSP) (Subject #30 in Li et al. 2010. PubMed ID: 20574985). In vitro functional studies found that the presence of this variant is associated with reduced carnitine transport to 20% or less compared to wild type (Frigeni et al. 2017. PubMed ID: 28841266; Dataset 1 in Koleske et al. 2022. PubMed ID: 36343260). This variant has also been reported as a potentially de novo variant in an individual from a cohort of patients with autism (individual AU 209 in Table 3, Perfilyeva et al. 2022. PubMed ID: 36199823). This variant is reported in 0.64% of alleles in individuals of Ashkenazi Jewish descent in gnomAD. At this time, the clinical significance of this variant is uncertain due to the absence of conclusive functional and genetic evidence.

Labcorp Genetics (formerly Invitae), Labcorp
Classification: Likely benign for Renal carnitine transport defect. Last evaluated: 2026-01-25. Review status: criteria provided, single submitter. Criteria: Invitae Variant Classification Sherloc (09022015). Collection method: clinical testing. Allele origin: germline.

Blueprint Genetics
Classification: Uncertain significance. Last evaluated: 2023-11-08. Review status: criteria provided, single submitter. Criteria: ACMG Guidelines, 2015. Collection method: clinical testing. Allele origin: germline.

Mayo Clinic Laboratories, Mayo Clinic
Classification: Uncertain significance. Last evaluated: 2023-07-31. Review status: criteria provided, single submitter. Criteria: ACMG Guidelines, 2015. Collection method: clinical testing. Allele origin: germline. Observed: 1 variant allele.
Comment: BS1, PS4_moderate

CeGaT Center for Human Genetics Tuebingen
Classification: Uncertain significance. Last evaluated: 2023-06-01. Review status: criteria provided, single submitter. Criteria: CeGaT Center For Human Genetics Tuebingen Variant Classification Criteria Version 2. Collection method: clinical testing. Allele origin: germline. Affected: yes. Observed: 3 variant alleles.
Comment: SLC22A5: PM2, PS3:Supporting

Women's Health and Genetics/Laboratory Corporation of America, LabCorp
Classification: Uncertain significance. Last evaluated: 2023-05-10. Review status: criteria provided, single submitter. Criteria: LabCorp Variant Classification Summary - May 2015. Collection method: clinical testing. Allele origin: germline.
Comment: Variant summary: SLC22A5 c.287G>C (p.Gly96Ala) results in a non-conservative amino acid change located in the Major facilitator superfamily domain (IPR020846) of the encoded protein sequence. Five of five in-silico tools predict a damaging effect of the variant on protein function. The variant allele was found at a frequency of 0.00041 in 195700 control chromosomes. This frequency is not significantly higher than estimated for a pathogenic variant in SLC22A5 causing Systemic Primary Carnitine Deficiency (0.00041 vs 0.0046), allowing no conclusion about variant significance. c.287G>C has been reported in the literature as a non-informative genotype (second allele not specified and/or reported as an unclassified variant) in settings of newborn screening for systemic primary carnitine deficiency (example, Li_2010, Frigeni_2017) and as a non-informative heterozygous genotype in a patient with a known pathogenic variant in SCN1A supporting the diagnosis of an SCN1A-related epilepsy (Dravet syndrome) (Vasta_2012). These data do not allow any conclusion about variant significance. At least two publications report conflicting experimental evidence on Carnitine transport/uptake assays depending upon the cell lines utilized (example, Frigeni_2017, Koleske_2022). The most pronounced variant effect results in approximately 20% of normal transport activity in a CHO-cell based system whereas a fully functional Carnitine uptake activity in a HEK-293 cell based system (Koleske_2022). The following publications have been ascertained in the context of this evaluation (PMID: 28841266, 36343260, 20574985, 26828774, 22494076). Five clinical diagnostic laboratories have submitted clinical-significance assessments for this variant to ClinVar after 2014 without evidence for independent evaluation. Multiple laboratories reported the variant with conflicting assessments (LP, n=1; LB, n=1; VUS, n=3). Based on the conflicting lines of evidence outlined above, the variant was classified as uncertain significance.

Department of Pathology and Laboratory Medicine, Sinai Health System
Classification: Uncertain significance for Renal carnitine transport defect. Last evaluated: 2022-10-11. Review status: criteria provided, single submitter. Criteria: ACMG Guidelines, 2015. Collection method: research. Allele origin: germline.

Giacomini Lab, University of California, San Francisco
Classification: Uncertain significance for Renal carnitine transport defect. Last evaluated: 2022-10-03. Review status: criteria provided, single submitter. Criteria: ACMG Guidelines, 2015. Collection method: research, in vitro. Allele origin: germline, not applicable.

Genome-Nilou Lab
Classification: Uncertain significance for Renal carnitine transport defect. Last evaluated: 2021-07-15. Review status: criteria provided, single submitter. Criteria: ACMG Guidelines, 2015. Collection method: clinical testing. Allele origin: germline. Affected: no.

Illumina Laboratory Services, Illumina
Classification: Uncertain significance for Renal carnitine transport defect. Last evaluated: 2017-04-28. Review status: criteria provided, single submitter. Criteria: ICSL Variant Classification Criteria 13 December 2019. Collection method: clinical testing. Allele origin: germline.
Comment: This variant was observed as part of a predisposition screen in an ostensibly healthy population. A literature search was performed for the gene, cDNA change, and amino acid change (where applicable). Publications were found based on this search. However, the evidence from the literature, in combination with allele frequency data from public databases where available, was not sufficient to rule this variant in or out of causing disease. Therefore, this variant is classified as a variant of unknown significance.

Literature cited by the submitters: PubMed 20574985 (cited by 3 submitters); PubMed 22494076 (cited by Mayo Clinic Laboratories, Mayo Clinic and Women's Health and Genetics/Laboratory Corporation of America, LabCorp); PubMed 26828774 (cited by Mayo Clinic Laboratories, Mayo Clinic and Women's Health and Genetics/Laboratory Corporation of America, LabCorp); PubMed 28841266 (cited by Mayo Clinic Laboratories, Mayo Clinic and Women's Health and Genetics/Laboratory Corporation of America, LabCorp); PubMed 36199823 (cited by Mayo Clinic Laboratories, Mayo Clinic); PubMed 36343260 (cited by Mayo Clinic Laboratories, Mayo Clinic and Women's Health and Genetics/Laboratory Corporation of America, LabCorp).